The following is an entry in ClinVar:

NC_000016.9:g.(?_2098611)_(2110820_?)dup

Gene: TSC2 (TSC complex subunit 2; plus strand). Cytogenetic location: 16p13.3.
Variant type: Duplication.
Identifiers: ClinVar variation 536118 (VCV000536118.1).

ClinVar aggregate classification (germline): Uncertain significance (1 of 4 stars; one submission).

Conditions:
Tuberous sclerosis 2 (TSC2). Identifiers: Orphanet 805, MedGen C1860707, MONDO:0013199, OMIM 613254.

Submission:

Labcorp Genetics (formerly Invitae), Labcorp
Classification: Uncertain significance for Tuberous sclerosis 2. Last evaluated: 2017-12-13. Review status: criteria provided, single submitter. Criteria: Invitae Variant Classification Sherloc (09022015). Collection method: clinical testing. Allele origin: germline.
Comment: This variant is a gross duplication of the genomic region encompassing exons 2-11 of the TSC2 gene. The 5' end of this event is unknown as it extends beyond the assayed region for this gene and therefore may encompass additional genes. The 3' boundary is likely confined to intron 11 of the TSC2 gene. The exact location of this variant in the genome is unknown. This variant has not been reported in the literature in individuals with TSC2-related disease. Experimental studies and prediction algorithms are not available for this variant, and the functional significance of the duplicated amino acids is currently unknown. In summary, the available evidence is currently insufficient to determine the role of this variant in disease. Therefore, it has been classified as a Variant of Uncertain Significance.